The following is an entry in ClinVar:

NM_000454.5(SOD1):c.342T>G (p.Ile114Met)

Gene: SOD1 (superoxide dismutase 1; plus strand). Cytogenetic location: 21q22.11.
Variant type: single nucleotide variant.
Coding change: c.342T>G on transcript NM_000454.5 (MANE Select); coding-DNA position 342, T replaced by G.
Protein change: p.Ile114Met; replaces isoleucine 114 with methionine.
Molecular consequence: missense variant.
Genome position (GRCh38, 1-based): chr21:31,667,360, T>G. VCF-style: chr21-31667360-T-G. GRCh37 (hg19) VCF-style: chr21-33039673-T-G.
Other names: short protein forms I114M.
Identifiers: ClinVar variation 2018599 (VCV002018599.4), dbSNP rs750335577, ClinGen allele CA9998956.

ClinVar aggregate classification (germline): Likely pathogenic (1 of 4 stars; one submission).

Conditions:
Amyotrophic lateral sclerosis type 1 (ALS1). Also called: AMYOTROPHIC LATERAL SCLEROSIS 1, FAMILIAL. Identifiers: Orphanet 803, MedGen C1862939, MONDO:0007103, OMIM 105400.

Allele frequency attached by ClinVar (database versions not stated): gnomAD exomes below 0.00001; ExAC 0.00001.
gnomAD v4.1: 2 of 1,611,572 alleles (0.00012%); highest among the groups gnomAD compares: Admixed American, 0.0017%; no homozygotes.

Submission:

Labcorp Genetics (formerly Invitae), Labcorp
Classification: Likely pathogenic for Amyotrophic lateral sclerosis type 1. Last evaluated: 2023-10-13. Review status: criteria provided, single submitter. Criteria: Invitae Variant Classification Sherloc (09022015). Collection method: clinical testing. Allele origin: germline.
Comment: This sequence change replaces isoleucine, which is neutral and non-polar, with methionine, which is neutral and non-polar, at codon 114 of the SOD1 protein (p.Ile114Met). This variant is present in population databases (rs750335577, gnomAD 0.003%). This variant has not been reported in the literature in individuals affected with SOD1-related conditions. ClinVar contains an entry for this variant (Variation ID: 2018599). Advanced modeling of protein sequence and biophysical properties (such as structural, functional, and spatial information, amino acid conservation, physicochemical variation, residue mobility, and thermodynamic stability) performed at Invitae indicates that this missense variant is expected to disrupt SOD1 protein function. This variant disrupts the p.Ile114 amino acid residue in SOD1. Other variant(s) that disrupt this residue have been determined to be pathogenic (PMID: 7673954, 7997024, 17543992, 19259395, 19483195, 25174650). This suggests that this residue is clinically significant, and that variants that disrupt this residue are likely to be disease-causing. In summary, the currently available evidence indicates that the variant is pathogenic, but additional data are needed to prove that conclusively. Therefore, this variant has been classified as Likely Pathogenic.

Literature cited by the submitters: PubMed 7673954; PubMed 7997024; PubMed 17543992; PubMed 19259395; PubMed 19483195; PubMed 25174650.